The following is an entry in ClinVar:

NM_006231.4(POLE):c.4523G>T (p.Arg1508Leu)

Gene: POLE (DNA polymerase epsilon, catalytic subunit; minus strand). Cytogenetic location: 12q24.33.
Variant type: single nucleotide variant.
Coding change: c.4523G>T on transcript NM_006231.4 (MANE Select); coding-DNA position 4523, G replaced by T.
Protein change: p.Arg1508Leu; replaces arginine 1508 with leucine.
Molecular consequence: missense variant.
Genome position (GRCh38, 1-based): chr12:132,643,252, C>A on the plus strand (G>T on the coding strand, the complement: POLE is on the minus strand). VCF-style: chr12-132643252-C-A. GRCh37 (hg19) VCF-style: chr12-133219838-C-A.
Other names: c.4523G>T (NM_006231.2); short protein forms R1508L.
Identifiers: ClinVar variation 839443 (VCV000839443.11), dbSNP rs142508245, ClinGen allele CA387380397.

ClinVar aggregate classification (germline): Uncertain significance. Review status: criteria provided, multiple submitters, no conflicts (2 of 4 stars). 3 submissions from 3 submitters: Uncertain significance (3). Last evaluated 2026-09-01.

Conditions:
Hereditary cancer-predisposing syndrome. Also called: Hereditary Cancer Syndrome; Tumor predisposition; Neoplastic Syndromes, Hereditary; Hereditary neoplastic syndrome. Identifiers: Orphanet 140162, MedGen C0027672, MeSH D009386, MONDO:0015356.

gnomAD v4.1: 1 of 1,613,786 alleles (0.000062%); highest among the groups gnomAD compares: Non-Finnish European, 0.000085%; no homozygotes.

Submissions (3):

CeGaT Center for Human Genetics Tuebingen
Classification: Uncertain significance. Last evaluated: 2026-09-01. Review status: criteria provided, single submitter. Criteria: CeGaT Center For Human Genetics Tuebingen Variant Classification Criteria Version 2. Collection method: clinical testing. Allele origin: germline. Affected: yes. Observed: 1 variant allele.
Comment: POLE: PM2, BP4

Ambry Genetics
Classification: Uncertain significance for Hereditary cancer-predisposing syndrome. Last evaluated: 2025-11-04. Review status: criteria provided, single submitter. Criteria: Ambry Variant Classification Scheme 2023. Collection method: clinical testing. Allele origin: germline.
Comment: The p.R1508L variant (also known as c.4523G>T), located in coding exon 35 of the POLE gene, results from a G to T substitution at nucleotide position 4523. The arginine at codon 1508 is replaced by leucine, an amino acid with dissimilar properties. This amino acid position is highly conserved in available vertebrate species. In addition, the in silico prediction for this alteration is inconclusive. Based on the available evidence, the clinical significance of this variant remains unclear.

Labcorp Genetics (formerly Invitae), Labcorp
Classification: Uncertain significance. Last evaluated: 2025-08-25. Review status: criteria provided, single submitter. Criteria: Invitae Variant Classification Sherloc (09022015). Collection method: clinical testing. Allele origin: germline.
Comment: This sequence change replaces arginine, which is basic and polar, with leucine, which is neutral and non-polar, at codon 1508 of the POLE protein (p.Arg1508Leu). This variant is not present in population databases (gnomAD no frequency). This variant has not been reported in the literature in individuals affected with POLE-related conditions. ClinVar contains an entry for this variant (Variation ID: 839443). Invitae Evidence Modeling of protein sequence and biophysical properties (such as structural, functional, and spatial information, amino acid conservation, physicochemical variation, residue mobility, and thermodynamic stability) indicates that this missense variant is not expected to disrupt POLE protein function with a negative predictive value of 80%. In summary, the available evidence is currently insufficient to determine the role of this variant in disease. Therefore, it has been classified as a Variant of Uncertain Significance.